The following is an entry in ClinVar:

NM_006766.5(KAT6A):c.4708G>A (p.Asp1570Asn)

Gene: KAT6A (lysine acetyltransferase 6A; minus strand). Cytogenetic location: 8p11.21.
Variant type: single nucleotide variant.
Coding change: c.4708G>A on transcript NM_006766.5 (MANE Select); coding-DNA position 4708, G replaced by A.
Protein change: p.Asp1570Asn; replaces aspartic acid 1570 with asparagine.
Molecular consequence: missense variant.
Genome position (GRCh38, 1-based): chr8:41,933,512, C>T on the plus strand (G>A on the coding strand, the complement: KAT6A is on the minus strand). VCF-style: chr8-41933512-C-T. GRCh37 (hg19) VCF-style: chr8-41791030-C-T.
Other names: short protein forms D1570N.
Identifiers: ClinVar variation 2504338 (VCV002504338.4), dbSNP rs2486753997, ClinGen allele CA371064855.

ClinVar aggregate classification (germline): Uncertain significance. Review status: criteria provided, multiple submitters, no conflicts (2 of 4 stars). 2 submissions from 2 submitters: Uncertain significance (2). Last evaluated 2025-10-20.

Submissions (2):

Labcorp Genetics (formerly Invitae), Labcorp
Classification: Uncertain significance. Last evaluated: 2025-10-20. Review status: criteria provided, single submitter. Criteria: Invitae Variant Classification Sherloc (09022015). Collection method: clinical testing. Allele origin: germline.
Comment: This sequence change replaces aspartic acid, which is acidic and polar, with asparagine, which is neutral and polar, at codon 1570 of the KAT6A protein (p.Asp1570Asn). This variant is not present in population databases (gnomAD no frequency). This variant has not been reported in the literature in individuals affected with KAT6A-related conditions. ClinVar contains an entry for this variant (Variation ID: 2504338). Invitae Evidence Modeling of protein sequence and biophysical properties (such as structural, functional, and spatial information, amino acid conservation, physicochemical variation, residue mobility, and thermodynamic stability) indicates that this missense variant is not expected to disrupt KAT6A protein function with a negative predictive value of 95%. In summary, the available evidence is currently insufficient to determine the role of this variant in disease. Therefore, it has been classified as a Variant of Uncertain Significance.

GeneDx
Classification: Uncertain significance. Last evaluated: 2022-11-30. Review status: criteria provided, single submitter. Criteria: GeneDx Variant Classification Process June 2021. Collection method: clinical testing. Allele origin: germline. Affected: yes.
Comment: Not observed at significant frequency in large population cohorts (gnomAD); In silico analysis supports that this missense variant has a deleterious effect on protein structure/function; Has not been previously published as a pathogenic or benign germline variant to our knowledge; This variant is associated with the following publications: (PMID: 33503190)